The following is an entry in ClinVar:

NM_021942.6(TRAPPC11):c.2218A>G (p.Ile740Val)

Gene: TRAPPC11 (trafficking protein particle complex subunit 11; plus strand). Cytogenetic location: 4q35.1.
Variant type: single nucleotide variant.
Coding change: c.2218A>G on transcript NM_021942.6 (MANE Select); coding-DNA position 2218, A replaced by G.
Protein change: p.Ile740Val; replaces isoleucine 740 with valine.
Molecular consequence: missense variant.
Genome position (GRCh38, 1-based): chr4:183,693,128, A>G. VCF-style: chr4-183693128-A-G. GRCh37 (hg19) VCF-style: chr4-184614281-A-G.
Other names: c.2218A>G, p.Ile740Val (NM_199053.3); short protein forms I740V.
Identifiers: ClinVar variation 1347301 (VCV001347301.7), dbSNP rs2111065463, ClinGen allele CA358871076.

ClinVar aggregate classification (germline): Uncertain significance (1 of 4 stars; one submission).

Conditions:
Autosomal recessive limb-girdle muscular dystrophy type R18 (LGMDR18). Also called: Autosomal recessive limb-girdle muscular dystrophy type 2S; Limb-girdle muscular dystrophy, type 2S; MUSCULAR DYSTROPHY, LIMB-GIRDLE, AUTOSOMAL RECESSIVE 18. Identifiers: Orphanet 369840, MedGen C4517996, MONDO:0014144, OMIM 615356.

Allele frequency attached by ClinVar (database versions not stated): gnomAD exomes below 0.00001.
gnomAD v4.1: 3 of 1,606,134 alleles (0.00019%); highest among the groups gnomAD compares: African/African-American, 0.0013%; no homozygotes.

Submission:

Labcorp Genetics (formerly Invitae), Labcorp
Classification: Uncertain significance for Autosomal recessive limb-girdle muscular dystrophy type R18. Last evaluated: 2022-08-05. Review status: criteria provided, single submitter. Criteria: Invitae Variant Classification Sherloc (09022015). Collection method: clinical testing. Allele origin: germline.
Comment: This sequence change replaces isoleucine, which is neutral and non-polar, with valine, which is neutral and non-polar, at codon 740 of the TRAPPC11 protein (p.Ile740Val). This variant is not present in population databases (gnomAD no frequency). This variant has not been reported in the literature in individuals affected with TRAPPC11-related conditions. ClinVar contains an entry for this variant (Variation ID: 1347301). Algorithms developed to predict the effect of missense changes on protein structure and function output the following: SIFT: "Tolerated"; PolyPhen-2: "Benign"; Align-GVGD: "Class C0". The valine amino acid residue is found in multiple mammalian species, which suggests that this missense change does not adversely affect protein function. In summary, the available evidence is currently insufficient to determine the role of this variant in disease. Therefore, it has been classified as a Variant of Uncertain Significance.